The following is an entry in ClinVar:

ClinVar aggregate classification (germline): Uncertain significance (1 of 4 stars; one submission).

gnomAD v4.1: 2 of 1,613,994 alleles (0.00012%); highest among the groups gnomAD compares: Non-Finnish European, 0.00017%; no homozygotes.

Submission:

CeGaT Center for Human Genetics Tuebingen
Classification: Uncertain significance. Last evaluated: 2025-01-01. Review status: criteria provided, single submitter. Criteria: CeGaT Center For Human Genetics Tuebingen Variant Classification Criteria Version 2. Collection method: clinical testing. Allele origin: germline. Affected: yes. Observed: 1 variant allele.
Comment: SPTLC1: PM2

NM_006415.4(SPTLC1):c.631C>G (p.His211Asp)

Gene: SPTLC1 (serine palmitoyltransferase long chain base subunit 1; minus strand). Cytogenetic location: 9q22.31.
Variant type: single nucleotide variant.
Coding change: c.631C>G on transcript NM_006415.4 (MANE Select); coding-DNA position 631, C replaced by G.
Protein change: p.His211Asp; replaces histidine 211 with aspartic acid.
Molecular consequence: missense variant.
Genome position (GRCh38, 1-based): chr9:92,059,238, G>C on the plus strand (C>G on the coding strand, the complement: SPTLC1 is on the minus strand). VCF-style: chr9-92059238-G-C. GRCh37 (hg19) VCF-style: chr9-94821520-G-C.
Other names: c.631C>G, p.His211Asp (NM_001281303.2); c.265C>G, p.His89Asp (NM_001368272.1); c.166C>G, p.His56Asp (NM_001368273.1); short protein forms H211D, H56D, H89D.
Identifiers: ClinVar variation 3771187 (VCV003771187.13).